The following is an entry in ClinVar:

NM_153603.4(COG7):c.399G>A (p.Thr133=)

Gene: COG7 (component of oligomeric golgi complex 7; minus strand). Cytogenetic location: 16p12.2.
Variant type: single nucleotide variant.
Coding change: c.399G>A on transcript NM_153603.4 (MANE Select); coding-DNA position 399, G replaced by A.
Protein change: p.Thr133=; no amino-acid change (threonine 133 retained).
Molecular consequence: synonymous variant.
Genome position (GRCh38, 1-based): chr16:23,445,084, C>T on the plus strand (G>A on the coding strand, the complement: COG7 is on the minus strand). VCF-style: chr16-23445084-C-T. GRCh37 (hg19) VCF-style: chr16-23456405-C-T.
Other names: c.399G>A (NM_153603.3).
Identifiers: ClinVar variation 2983042 (VCV002983042.4), dbSNP rs544517337, ClinGen allele CA7961317.

ClinVar aggregate classification (germline): Likely benign. Review status: criteria provided, multiple submitters, no conflicts (2 of 4 stars). 2 submissions from 2 submitters: Likely benign (2). Last evaluated 2026-02-10.

Conditions:
COG7-related disorder. Also called: COG7-related condition.
COG7 congenital disorder of glycosylation (CDG2E). Also called: CONGENITAL DISORDER OF GLYCOSYLATION, TYPE IIe; CDG IIe. Identifiers: Orphanet 79333, MedGen C2931010, MONDO:0012118, OMIM 608779.

Allele frequency attached by ClinVar (database versions not stated): TOPMed 0.00001; gnomAD 0.00004.
gnomAD v4.1: 42 of 1,614,070 alleles (0.0026%); highest among the groups gnomAD compares: African/African-American, 0.008%; no homozygotes.

Submissions (2):

PreventionGenetics, part of Exact Sciences
Classification: Likely benign for COG7-related condition. Last evaluated: 2026-02-10. Review status: criteria provided, single submitter. Criteria: ACMG Guidelines, 2015. Collection method: clinical testing. Allele origin: germline.
Comment: This variant is classified as likely benign based on ACMG/AMP sequence variant interpretation guidelines (Richards et al. 2015 PMID: 25741868, with internal and published modifications).

Labcorp Genetics (formerly Invitae), Labcorp
Classification: Likely benign for COG7 congenital disorder of glycosylation. Last evaluated: 2025-11-21. Review status: criteria provided, single submitter. Criteria: Invitae Variant Classification Sherloc (09022015). Collection method: clinical testing. Allele origin: germline.